The following is an entry in ClinVar:

NM_000393.5(COL5A2):c.3732G>A (p.Met1244Ile)

Gene: COL5A2 (collagen type V alpha 2 chain; minus strand). Cytogenetic location: 2q32.2.
Variant type: single nucleotide variant.
Coding change: c.3732G>A on transcript NM_000393.5 (MANE Select); coding-DNA position 3732, G replaced by A.
Protein change: p.Met1244Ile; replaces methionine 1244 with isoleucine.
Molecular consequence: missense variant.
Genome position (GRCh38, 1-based): chr2:189,039,465, C>T on the plus strand (G>A on the coding strand, the complement: COL5A2 is on the minus strand). VCF-style: chr2-189039465-C-T. GRCh37 (hg19) VCF-style: chr2-189904191-C-T.
Other names: short protein forms M1244I.
Identifiers: ClinVar variation 1306120 (VCV001306120.8), dbSNP rs780628821, ClinGen allele CA2021927.
Genomic context (GRCh38, chr2:189,039,465, plus strand): 5'-CGTTTTGTTTTTGTCATCAGGAGCCGCCTGATCTTCAGTAAACTCAGGAAGTGGATCTGG[C>T]ATGCTTTCATCATAGTGCCCCATGATATCCCCAAGAGCAGCTGTAAGGTGGCCAGGGGGA-3'
Protein context (NP_000384.2, residues 1234-1254): GDIMGHYDES[Met1244Ile]PDPLPEFTED

ClinVar aggregate classification (germline): Conflicting classifications of pathogenicity. Review status: criteria provided, conflicting classifications (1 of 4 stars). 3 submissions from 3 submitters: Uncertain significance (2); Likely benign (1). Last evaluated 2024-11-07.

Conditions:
Ehlers-Danlos syndrome, classic type, 1 (EDSCL1). Also called: EHLERS-DANLOS SYNDROME, GRAVIS TYPE; EHLERS-DANLOS SYNDROME, SEVERE CLASSIC TYPE; Ehlers-Danlos syndrome, type 1; EDS I; Ehlers-Danlos Syndrome, Classic Type, COL5A1-Related. Identifiers: MedGen C0268335, MONDO:0019567, OMIM 130000.
Familial thoracic aortic aneurysm and aortic dissection (TAAD). Also called: Thoracic aortic aneurysms and dissections. Identifiers: Orphanet 91387, MedGen C4707243, MONDO:0019625.

Allele frequency attached by ClinVar (database versions not stated): gnomAD exomes below 0.00001; TOPMed 0.00001; ExAC 0.00001.

Submissions (3):

Labcorp Genetics (formerly Invitae), Labcorp
Classification: Likely benign for Ehlers-Danlos syndrome, classic type, 1. Last evaluated: 2024-11-07. Review status: criteria provided, single submitter. Criteria: Invitae Variant Classification Sherloc (09022015). Collection method: clinical testing. Allele origin: germline.

Ambry Genetics
Classification: Uncertain significance for Familial thoracic aortic aneurysm and aortic dissection. Last evaluated: 2024-04-03. Review status: criteria provided, single submitter. Criteria: Ambry Variant Classification Scheme 2023. Collection method: clinical testing. Allele origin: germline.
Comment: The p.M1244I variant (also known as c.3732G>A), located in coding exon 51 of the COL5A2 gene, results from a G to A substitution at nucleotide position 3732. The methionine at codon 1244 is replaced by isoleucine, an amino acid with highly similar properties. This amino acid position is not well conserved in available vertebrate species. In addition, this alteration is predicted to be tolerated by in silico analysis. Based on the available evidence, the clinical significance of this alteration remains unclear.

GeneDx
Classification: Uncertain significance. Last evaluated: 2019-05-24. Review status: criteria provided, single submitter. Criteria: GeneDx Variant Classification Process June 2021. Collection method: clinical testing. Allele origin: germline. Affected: yes.
Comment: Has not been previously published as pathogenic or benign to our knowledge; Not observed at a significant frequency in large population cohorts (Lek et al., 2016); In silico analysis, which includes protein predictors and evolutionary conservation, supports that this variant does not alter protein structure/function; Not located in the triple helical region, where the majority of pathogenic missense variants occur (Symoens et al., 2012; Stenson et al., 2014)